The following is an entry in ClinVar:

NM_000302.4(PLOD1):c.882C>T (p.Ile294=)

Gene: PLOD1 (procollagen-lysine,2-oxoglutarate 5-dioxygenase 1; plus strand). Cytogenetic location: 1p36.22.
Variant type: single nucleotide variant.
Coding change: c.882C>T on transcript NM_000302.4 (MANE Select); coding-DNA position 882, C replaced by T.
Protein change: p.Ile294=; no amino-acid change (isoleucine 294 retained).
Molecular consequence: synonymous variant.
Genome position (GRCh38, 1-based): chr1:11,958,554, C>T. VCF-style: chr1-11958554-C-T. GRCh37 (hg19) VCF-style: chr1-12018611-C-T.
Other names: c.1023C>T, p.Ile341= (NM_001316320.2).
Identifiers: ClinVar variation 618331 (VCV000618331.20), dbSNP rs747668784, ClinGen allele CA598186.

ClinVar aggregate classification (germline): Conflicting classifications of pathogenicity. Review status: criteria provided, conflicting classifications (1 of 4 stars). 5 submissions from 5 submitters: Uncertain significance (1); Likely benign (4). Last evaluated 2026-03-23.

Conditions:
Familial thoracic aortic aneurysm and aortic dissection (TAAD). Also called: Thoracic aortic aneurysms and dissections. Identifiers: Orphanet 91387, MedGen C4707243, MONDO:0019625.
Ehlers-Danlos syndrome, kyphoscoliotic type 1 (EDSKSCL1). Also called: PLOD1-Related Kyphoscoliotic Ehlers-Danlos Syndrome; EHLERS-DANLOS SYNDROME, OCULAR-SCOLIOTIC TYPE; EHLERS-DANLOS SYNDROME, TYPE VIA; Ehlers-Danlos syndrome, hydroxylysine-deficient. Identifiers: Orphanet 1900, MedGen C0268342, MONDO:0016002, OMIM 225400. Disease mechanism: loss of function.

Allele frequency attached by ClinVar (database versions not stated): gnomAD 0.00002 and 0.00003; gnomAD exomes 0.00002; ExAC 0.00003; TOPMed 0.00003.
gnomAD v4.1: 38 of 1,613,906 alleles (0.0024%); highest among the groups gnomAD compares: South Asian, 0.0055%; no homozygotes.

Submissions (5):

Ambry Genetics
Classification: Uncertain significance for Familial thoracic aortic aneurysm and aortic dissection. Last evaluated: 2026-03-23. Review status: criteria provided, single submitter. Criteria: Ambry Variant Classification Scheme 2023. Collection method: clinical testing. Allele origin: germline.
Comment: The c.882C>T variant (also known as p.I294I), located in coding exon 9 of the PLOD1 gene, results from a C to T substitution at nucleotide position 882. This nucleotide substitution does not change the amino acid at codon 294. This nucleotide position is poorly conserved in available vertebrate species. In silico splice site analysis for this alteration is inconclusive. Based on the available evidence, the clinical significance of this variant remains unclear.

Labcorp Genetics (formerly Invitae), Labcorp
Classification: Likely benign for Ehlers-Danlos syndrome, kyphoscoliotic type 1. Last evaluated: 2025-12-23. Review status: criteria provided, single submitter. Criteria: Invitae Variant Classification Sherloc (09022015). Collection method: clinical testing. Allele origin: germline.

Women's Health and Genetics/Laboratory Corporation of America, LabCorp
Classification: Likely benign. Last evaluated: 2023-07-29. Review status: criteria provided, single submitter. Criteria: LabCorp Variant Classification Summary - May 2015. Collection method: clinical testing. Allele origin: germline.

GeneDx
Classification: Likely benign. Last evaluated: 2021-03-02. Review status: criteria provided, single submitter. Criteria: GeneDx Variant Classification Process June 2021. Collection method: clinical testing. Allele origin: germline. Affected: yes.

ARUP Laboratories, Molecular Genetics and Genomics, ARUP Laboratories
Classification: Likely benign. Last evaluated: 2017-08-27. Review status: criteria provided, single submitter. Criteria: ARUP Molecular Germline Variant Investigation Process. Collection method: clinical testing. Allele origin: germline.